The following is an entry in ClinVar:

NM_003722.5(TP63):c.1400A>G (p.Asn467Ser)

Gene: TP63 (tumor protein p63; plus strand). Cytogenetic location: 3q28.
Variant type: single nucleotide variant.
Coding change: c.1400A>G on transcript NM_003722.5 (MANE Select); coding-DNA position 1400, A replaced by G.
Protein change: p.Asn467Ser; replaces asparagine 467 with serine.
Molecular consequence: missense variant.
Genome position (GRCh38, 1-based): chr3:189,886,444, A>G. VCF-style: chr3-189886444-A-G. GRCh37 (hg19) VCF-style: chr3-189604233-A-G.
Other names: c.1400A>G (NM_003722.4); c.1400A>G, p.Asn467Ser (NM_001114978.2, NM_001329144.2); c.1118A>G, p.Asn373Ser (NM_001114980.2, NM_001114981.2, NM_001329145.2); c.863A>G, p.Asn288Ser (NM_001329146.2); c.1388A>G, p.Asn463Ser (NM_001329148.2); c.1106A>G, p.Asn369Ser (NM_001329149.2); c.851A>G, p.Asn284Ser (NM_001329150.2); c.1394A>G, p.Asn465Ser (NM_001329964.2); short protein forms N284S, N369S, N373S, N463S, N288S, N465S, N467S.
Identifiers: ClinVar variation 1416793 (VCV001416793.9), dbSNP rs369453583, ClinGen allele CA2752479.

ClinVar aggregate classification (germline): Uncertain significance. Review status: criteria provided, multiple submitters, no conflicts (2 of 4 stars). 2 submissions from 2 submitters: Uncertain significance (2). Last evaluated 2025-06-18.

Conditions:
TP63-Related Spectrum Disorders.
Inborn genetic diseases. Identifiers: MedGen C0950123, MeSH D030342.

Allele frequency attached by ClinVar (database versions not stated): gnomAD 0.00001; ExAC 0.00002; gnomAD exomes 0.00002 and 0.00003; TOPMed 0.00002; ESP Exome Variant Server 0.00008.
gnomAD v4.1: 47 of 1,614,012 alleles (0.0029%); highest among the groups gnomAD compares: Non-Finnish European, 0.0036%; no homozygotes.

Submissions (2):

Ambry Genetics
Classification: Uncertain significance for Inborn genetic diseases. Last evaluated: 2025-06-18. Review status: criteria provided, single submitter. Criteria: Ambry Variant Classification Scheme 2023. Collection method: clinical testing. Allele origin: germline.

Labcorp Genetics (formerly Invitae), Labcorp
Classification: Uncertain significance. Last evaluated: 2025-01-22. Review status: criteria provided, single submitter. Criteria: Invitae Variant Classification Sherloc (09022015). Collection method: clinical testing. Allele origin: germline.
Comment: This sequence change replaces asparagine, which is neutral and polar, with serine, which is neutral and polar, at codon 467 of the TP63 protein (p.Asn467Ser). This variant is present in population databases (rs369453583, gnomAD 0.003%). This variant has not been reported in the literature in individuals affected with TP63-related conditions. ClinVar contains an entry for this variant (Variation ID: 1416793). Invitae Evidence Modeling incorporating data from in vitro experimental studies (internal data) indicates that this missense variant is not expected to disrupt TP63 function with a negative predictive value of 80%. In summary, the available evidence is currently insufficient to determine the role of this variant in disease. Therefore, it has been classified as a Variant of Uncertain Significance.